The following is an entry in ClinVar:

NM_024675.4(PALB2):c.2255_2267dup (p.Cys756fs)

Gene: PALB2 (partner and localizer of BRCA2; minus strand). Cytogenetic location: 16p12.2.
Variant type: Duplication.
Coding change: c.2255_2267dup on transcript NM_024675.4 (MANE Select); coding-DNA positions 2255 to 2267, 13 bases duplicated (GACGAACTTGCTG).
Protein change: p.Cys756fs; shifts the reading frame from cysteine 756.
Molecular consequence: frameshift variant.
Genome position (GRCh38, 1-based): chr16:23,629,887-23,629,899, CAGCAAGTTCGTC duplicated on the plus strand (GACGAACTTGCTG on the coding strand, the reverse complement: PALB2 is on the minus strand); duplicating any 13 consecutive bases within chr16:23,629,887-23,629,905 gives the same sequence; the c. name uses the placement nearest the transcript's 3' end. VCF-style (leftmost placement, unchanged base first): chr16-23629886-G-GCAGCAAGTTCGTC. GRCh37 (hg19) VCF-style: chr16-23641207-G-GCAGCAAGTTCGTC.
Other names: c.2255_2267dupGACGAACTTGCTG (NM_024675.3); short protein forms C756fs.
Identifiers: ClinVar variation 481002 (VCV000481002.9), dbSNP rs1555460423, ClinGen allele CA658658405.
Genomic context (GRCh38, chr16:23,629,886, plus strand): 5'-GAATTGTTTAGTATCACTGGCAAGACAGACTGAGTCTTTCAAATGAGCAAGTTGGGGTGT[G>GCAGCAAGTTCGTC]CAGCAAGTTCGTCCAGCAACTTCTGTAGATGCTTTTTCATAGGAGCCTTGAGGGCCAAAG-3'

ClinVar aggregate classification (germline): Pathogenic. Review status: criteria provided, multiple submitters, no conflicts (2 of 4 stars). 3 submissions from 3 submitters: Pathogenic (3). Last evaluated 2023-12-27.

Conditions:
Hereditary cancer-predisposing syndrome. Also called: Hereditary Cancer Syndrome; Neoplastic Syndromes, Hereditary; Tumor predisposition; Hereditary neoplastic syndrome. Identifiers: Orphanet 140162, MedGen C0027672, MeSH D009386, MONDO:0015356.
Familial cancer of breast. Also called: BREAST CANCER, FAMILIAL; Hereditary breast cancer; hereditary breast carcinoma. Identifiers: Orphanet 227535, MedGen C0346153, MONDO:0016419, OMIM 114480. Disease mechanism: loss of function.

Submissions (3):

Labcorp Genetics (formerly Invitae), Labcorp
Classification: Pathogenic for Familial cancer of breast. Last evaluated: 2023-12-27. Review status: criteria provided, single submitter. Criteria: Invitae Variant Classification Sherloc (09022015). Collection method: clinical testing. Allele origin: germline.
Comment: This sequence change creates a premature translational stop signal (p.Cys756Trpfs*21) in the PALB2 gene. It is expected to result in an absent or disrupted protein product. Loss-of-function variants in PALB2 are known to be pathogenic (PMID: 17200668, 17200671, 17200672, 24136930, 25099575). This variant is not present in population databases (gnomAD no frequency). This variant has not been reported in the literature in individuals affected with PALB2-related conditions. ClinVar contains an entry for this variant (Variation ID: 481002). For these reasons, this variant has been classified as Pathogenic.

Myriad Genetics, Inc.
Classification: Pathogenic for Familial cancer of breast. Last evaluated: 2023-03-13. Review status: criteria provided, single submitter. Criteria: Myriad Autosomal Dominant, Autosomal Recessive and X-Linked Classification Criteria (2023). Collection method: clinical testing. Allele origin: unknown.
Comment: This variant is considered pathogenic. This variant creates a frameshift predicted to result in premature protein truncation.

Ambry Genetics
Classification: Pathogenic for Hereditary cancer-predisposing syndrome. Last evaluated: 2019-04-04. Review status: criteria provided, single submitter. Criteria: Ambry Variant Classification Scheme 2023. Collection method: clinical testing. Allele origin: germline.
Comment: The c.2255_2267dup13 variant, located in coding exon 5 of the PALB2 gene, results from a duplication of GACGAACTTGCTG at nucleotide position 2255, causing a translational frameshift with a predicted alternate stop codon (p.C756Wfs*21). This alteration is expected to result in loss of function by premature protein truncation or nonsense-mediated mRNA decay. As such, this alteration is interpreted as a disease-causing mutation.

Literature cited by the submitters: PubMed 17200668 (cited by Labcorp Genetics (formerly Invitae), Labcorp); PubMed 17200671 (cited by Labcorp Genetics (formerly Invitae), Labcorp); PubMed 17200672 (cited by Labcorp Genetics (formerly Invitae), Labcorp); PubMed 24136930 (cited by Labcorp Genetics (formerly Invitae), Labcorp); PubMed 25099575 (cited by Labcorp Genetics (formerly Invitae), Labcorp).